The following is an entry in ClinVar:

ClinVar aggregate classification (germline): Pathogenic (1 of 4 stars; one submission).

gnomAD v4.1: 19 of 1,611,750 alleles (0.0012%); highest among the groups gnomAD compares: Non-Finnish European, 0.0016%; no homozygotes.

Submission:

Labcorp Genetics (formerly Invitae), Labcorp
Classification: Pathogenic. Last evaluated: 2024-09-27. Review status: criteria provided, single submitter. Criteria: Invitae Variant Classification Sherloc (09022015). Collection method: clinical testing. Allele origin: germline.
Comment: This sequence change creates a premature translational stop signal (p.Arg72*) in the TYROBP gene. It is expected to result in an absent or disrupted protein product. Loss-of-function variants in TYROBP are known to be pathogenic (PMID: 10888890, 12370476, 15883308). This variant is not present in population databases (gnomAD no frequency). This variant has not been reported in the literature in individuals affected with TYROBP-related conditions. Algorithms developed to predict the effect of sequence changes on RNA splicing suggest that this variant may disrupt the consensus splice site. For these reasons, this variant has been classified as Pathogenic.

Literature cited by the submitters: PubMed 10888890; PubMed 12370476; PubMed 15883308.

NM_003332.4(TYROBP):c.214C>T (p.Arg72Ter)

Gene: TYROBP (transmembrane immune signaling adaptor TYROBP; minus strand). Cytogenetic location: 19q13.12.
Variant type: single nucleotide variant.
Coding change: c.214C>T on transcript NM_003332.4 (MANE Select); coding-DNA position 214, C replaced by T.
Protein change: p.Arg72Ter; replaces arginine 72 with a stop codon.
Molecular consequence: nonsense. On other transcripts: non-coding transcript variant (1).
Genome position (GRCh38, 1-based): chr19:35,907,461, G>A on the plus strand (C>T on the coding strand, the complement: TYROBP is on the minus strand). VCF-style: chr19-35907461-G-A. GRCh37 (hg19) VCF-style: chr19-36398363-G-A.
Other names: c.181C>T, p.Arg61Ter (NM_001173514.2, NM_001173515.2); c.214C>T, p.Arg72Ter (NM_198125.3); short protein forms R72*, R61*.
Identifiers: ClinVar variation 3660636 (VCV003660636.2).